The following is an entry in ClinVar:

NM_021930.6(RINT1):c.850C>G (p.Leu284Val)

Gene: RINT1 (RAD50 interactor 1; plus strand). Cytogenetic location: 7q22.3.
Variant type: single nucleotide variant.
Coding change: c.850C>G on transcript NM_021930.6 (MANE Select); coding-DNA position 850, C replaced by G.
Protein change: p.Leu284Val; replaces leucine 284 with valine.
Molecular consequence: missense variant. On other transcripts: 5 prime UTR variant (2), non-coding transcript variant (1), intron variant (1).
Genome position (GRCh38, 1-based): chr7:105,548,564, C>G. VCF-style: chr7-105548564-C-G. GRCh37 (hg19) VCF-style: chr7-105189011-C-G.
Other names: c.616C>G, p.Leu206Val (NM_001346599.2); c.-170C>G (NM_001346600.2); c.-75C>G (NM_001346601.2); c.-27-1491C>G (NM_001346603.2); short protein forms L284V, L206V.
Identifiers: ClinVar variation 1502554 (VCV001502554.11), dbSNP rs1790782018, ClinGen allele CA368807835.

ClinVar aggregate classification (germline): Uncertain significance. Review status: criteria provided, multiple submitters, no conflicts (2 of 4 stars). 2 submissions from 2 submitters: Uncertain significance (2). Last evaluated 2025-04-22.

gnomAD v4.1: 1 of 1,614,034 alleles (0.000062%); highest among the groups gnomAD compares: Non-Finnish European, 0.000085%; no homozygotes.

Submissions (2):

Ambry Genetics
Classification: Uncertain significance. Last evaluated: 2025-04-22. Review status: criteria provided, single submitter. Criteria: Ambry Variant Classification Scheme 2023. Collection method: clinical testing. Allele origin: germline.
Comment: The p.L284V variant (also known as c.850C>G), located in coding exon 7 of the RINT1 gene, results from a C to G substitution at nucleotide position 850. The leucine at codon 284 is replaced by valine, an amino acid with highly similar properties. This amino acid position is conserved. In addition, this alteration is predicted to be tolerated by in silico analysis. Since supporting evidence is limited at this time, the clinical significance of this alteration remains unclear.

Labcorp Genetics (formerly Invitae), Labcorp
Classification: Uncertain significance. Last evaluated: 2022-05-25. Review status: criteria provided, single submitter. Criteria: Invitae Variant Classification Sherloc (09022015). Collection method: clinical testing. Allele origin: germline.
Comment: In summary, the available evidence is currently insufficient to determine the role of this variant in disease. Therefore, it has been classified as a Variant of Uncertain Significance. Algorithms developed to predict the effect of sequence changes on RNA splicing suggest that this variant may disrupt the consensus splice site. Algorithms developed to predict the effect of missense changes on protein structure and function (SIFT, PolyPhen-2, Align-GVGD) all suggest that this variant is likely to be tolerated. This variant has not been reported in the literature in individuals affected with RINT1-related conditions. This variant is not present in population databases (gnomAD no frequency). This sequence change replaces leucine, which is neutral and non-polar, with valine, which is neutral and non-polar, at codon 284 of the RINT1 protein (p.Leu284Val).